The following is an entry in ClinVar:

ClinVar aggregate classification (germline): Uncertain significance. Review status: criteria provided, multiple submitters, no conflicts (2 of 4 stars). 2 submissions from 2 submitters: Uncertain significance (2). Last evaluated 2024-05-29.

Submissions (2):

Labcorp Genetics (formerly Invitae), Labcorp
Classification: Uncertain significance. Last evaluated: 2024-05-29. Review status: criteria provided, single submitter. Criteria: Invitae Variant Classification Sherloc (09022015). Collection method: clinical testing. Allele origin: germline.
Comment: This sequence change falls in intron 40 of the POLE gene. It does not directly change the encoded amino acid sequence of the POLE protein. It affects a nucleotide within the consensus splice site. This variant is not present in population databases (gnomAD no frequency). This variant has not been reported in the literature in individuals affected with POLE-related conditions. Variants that disrupt the consensus splice site are a relatively common cause of aberrant splicing (PMID: 17576681, 9536098). Algorithms developed to predict the effect of sequence changes on RNA splicing suggest that this variant may disrupt the consensus splice site. In summary, the available evidence is currently insufficient to determine the role of this variant in disease. Therefore, it has been classified as a Variant of Uncertain Significance.

GeneDx
Classification: Uncertain significance. Last evaluated: 2023-12-18. Review status: criteria provided, single submitter. Criteria: GeneDx Variant Classification Process June 2021. Collection method: clinical testing. Allele origin: germline. Affected: yes.
Comment: Intronic +5 splice site variant in a gene for which loss of function is a known mechanism of disease, and both splice predictors and evolutionary conservation support a deleterious effect, although in the absence of functional evidence the actual effect of this sequence change is unknown.; Not observed at significant frequency in large population cohorts (gnomAD); Has not been previously published as pathogenic or benign to our knowledge

Literature cited by the submitters: PubMed 17576681 (cited by Labcorp Genetics (formerly Invitae), Labcorp); PubMed 9536098 (cited by Labcorp Genetics (formerly Invitae), Labcorp).

NM_006231.4(POLE):c.5552+5G>A

Gene: POLE (DNA polymerase epsilon, catalytic subunit; minus strand). Cytogenetic location: 12q24.33.
Variant type: single nucleotide variant.
Coding change: c.5552+5G>A on transcript NM_006231.4 (MANE Select); 5 bases into the intron after coding-DNA position 5552, G replaced by A.
Molecular consequence: intron variant.
Genome position (GRCh38, 1-based): chr12:132,639,120, C>T on the plus strand (G>A on the coding strand, the complement: POLE is on the minus strand). VCF-style: chr12-132639120-C-T. GRCh37 (hg19) VCF-style: chr12-133215706-C-T.
Identifiers: ClinVar variation 3365954 (VCV003365954.3).